The following is an entry in ClinVar:

ClinVar aggregate classification (germline): Benign/Likely benign. Review status: criteria provided, multiple submitters, no conflicts (2 of 4 stars). 7 submissions from 7 submitters: Benign (1); Likely benign (2). 4 of the submissions do not count toward it. Last evaluated 2025-04-25.

Conditions:
PKD1-related disorder. Also called: PKD1-related condition.
Polycystic kidney disease. Also called: Polycystic kidney dysplasia; Kidney, Polycystic. Identifiers: MedGen C0022680, MeSH D007690, MONDO:0020642, HP:0000113.

Allele frequency attached by ClinVar (database versions not stated): gnomAD 0.00034 and 0.00036; TOPMed 0.00036; gnomAD exomes 0.00037; 1000 Genomes Project 0.00040; 1000 Genomes Project 30x 0.00047; ExAC 0.00082.
gnomAD v4.1: 254 of 1,575,342 alleles (0.016%); highest among the groups gnomAD compares: East Asian, 0.2%; 6 homozygotes.

Submissions (7):

Women's Health and Genetics/Laboratory Corporation of America, LabCorp
Classification: Likely benign. Last evaluated: 2025-04-25. Review status: criteria provided, single submitter. Criteria: LabCorp Variant Classification Summary - May 2015. Collection method: clinical testing. Allele origin: germline.

Blueprint Genetics
Classification: Likely benign. Last evaluated: 2024-11-27. Review status: criteria provided, single submitter. Criteria: ACMG Guidelines, 2015. Collection method: clinical testing. Allele origin: germline.

ARUP Laboratories, Molecular Genetics and Genomics, ARUP Laboratories
Classification: Benign. Last evaluated: 2018-05-18. Review status: criteria provided, single submitter. Criteria: ARUP Molecular Germline Variant Investigation Process. Collection method: clinical testing. Allele origin: germline.

PreventionGenetics, part of Exact Sciences
Classification: Benign for PKD1-related condition. Last evaluated: 2019-08-06. Review status: no assertion criteria provided. Collection method: clinical testing. Allele origin: germline. Not counted in ClinVar's aggregate classification.
Comment: This variant is classified as benign based on ACMG/AMP sequence variant interpretation guidelines (Richards et al. 2015 PMID: 25741868, with internal and published modifications).

Clinical Genetics DNA and cytogenetics Diagnostics Lab, Erasmus MC, Erasmus Medical Center
Classification: Likely benign. Review status: no assertion criteria provided. Collection method: clinical testing. Allele origin: germline. Affected: yes. Study: VKGL Data-share Consensus. Not counted in ClinVar's aggregate classification.

Department of Pathology and Laboratory Medicine, Sinai Health System
Classification: Likely benign for Polycystic Kidney disease. Review status: no assertion criteria provided. Collection method: clinical testing. Allele origin: unknown. Affected: yes. Study: The Canadian Open Genetics Repository (COGR). Not counted in ClinVar's aggregate classification.
Comment: The PKD1 p.Asp1165= variant was not identified in the literature nor was it identified in the ClinVar, ADPKD Mutation Database, or PKD1-LOVD databases. The variant was also identified in dbSNP (ID: rs375384742) and LOVD 3.0 (1x as likely benign). The variant was identified in control databases in 76 of 207638 chromosomes at a frequency of 0.0004 (Genome Aggregation Database Feb 27, 2017). The variant was observed in the following populations: African in 2 of 18136 chromosomes (freq: 0.0001), Other in 4 of 5212 chromosomes (freq: 0.0008), Latino in 4 of 27514 chromosomes (freq: 0.0002), European in 1 of 88368 chromosomes (freq: 0.00001), East Asian in 60 of 14396 chromosomes (freq: 0.004), and South Asian in 5 of 25332 chromosomes (freq: 0.0002); it was not observed in the Ashkenazi Jewish or Finnish populations. The p.Asp1165= variant is not expected to have clinical significance because it does not result in a change of amino acid and is not located in a known consensus splice site. In addition, in silico or computational prediction software programs (SpliceSiteFinder, MaxEntScan, NNSPLICE, GeneSplicer) do not predict a difference in splicing. In summary, based on the above information, the clinical significance of this variant cannot be determined with certainty at this time although we would lean towards a more benign role for this variant. This variant is classified as likely benign.

Genome Diagnostics Laboratory, University Medical Center Utrecht
Classification: Likely benign. Review status: no assertion criteria provided. Collection method: clinical testing. Allele origin: germline. Affected: yes. Study: VKGL Data-share Consensus. Not counted in ClinVar's aggregate classification.

NM_001009944.3(PKD1):c.3495C>T (p.Asp1165=)

Gene: PKD1 (polycystin 1, transient receptor potential channel interacting; minus strand). Cytogenetic location: 16p13.3.
Variant type: single nucleotide variant.
Coding change: c.3495C>T on transcript NM_001009944.3 (MANE Select); coding-DNA position 3495, C replaced by T.
Protein change: p.Asp1165=; no amino-acid change (aspartic acid 1165 retained).
Molecular consequence: synonymous variant.
Genome position (GRCh38, 1-based): chr16:2,111,672, G>A on the plus strand (C>T on the coding strand, the complement: PKD1 is on the minus strand). VCF-style: chr16-2111672-G-A. GRCh37 (hg19) VCF-style: chr16-2161673-G-A.
Other names: c.3495C>T (NM_001009944.2); c.3495C>T, p.Asp1165= (NM_000296.4).
Identifiers: ClinVar variation 618825 (VCV000618825.16), dbSNP rs375384742, ClinGen allele CA7832752.